The following is an entry in ClinVar:

ClinVar aggregate classification (germline): Uncertain significance (1 of 4 stars; one submission).

Allele frequency attached by ClinVar (database versions not stated): gnomAD 0.00001 and 0.00002; TOPMed 0.00001; gnomAD exomes 0.00002.
gnomAD v4.1: 37 of 1,608,918 alleles (0.0023%); highest among the groups gnomAD compares: Non-Finnish European, 0.0028%; no homozygotes.

Submission:

Laboratory for Molecular Medicine, Mass General Brigham Personalized Medicine
Classification: Uncertain significance. Last evaluated: 2016-08-02. Review status: criteria provided, single submitter. Criteria: LMM Criteria. Collection method: clinical testing. Allele origin: germline. Observed: 1 variant allele.
Comment: Variant classified as Uncertain Significance - Favor Benign. The p.Pro158Leu var iant in EDNRB has not been previously reported in individuals with hearing loss, Waardenburg syndrome, or Hirschsprung disease, or in large population studies. The proline (Pro) at position 158 is not conserved across species, including ma mmals. Of note, two mammals (elephant and manatee) have a leucine (Leu) at this position despite high nearby amino acid sequence conservation. Additional comp utational prediction tools suggest that this variant may not impact the protein, though this information is not predictive enough to rule out pathogenicity. In summary, while the clinical significance of the p.Pro158Leu variant is uncertain , these data suggest it is more likely to be benign.

NM_001122659.3(EDNRB):c.203C>T (p.Pro68Leu)

Gene: EDNRB (endothelin receptor type B; minus strand). Cytogenetic location: 13q22.3.
Variant type: single nucleotide variant.
Coding change: c.203C>T on transcript NM_001122659.3 (MANE Select); coding-DNA position 203, C replaced by T.
Protein change: p.Pro68Leu; replaces proline 68 with leucine.
Molecular consequence: missense variant.
Genome position (GRCh38, 1-based): chr13:77,918,371, G>A on the plus strand (C>T on the coding strand, the complement: EDNRB is on the minus strand). VCF-style: chr13-77918371-G-A. GRCh37 (hg19) VCF-style: chr13-78492506-G-A.
Other names: c.203C>T, p.Pro68Leu (NM_000115.5, NM_003991.4); c.473C>T, p.Pro158Leu (NM_001201397.2); short protein forms P158L, P68L.
Identifiers: ClinVar variation 505251 (VCV000505251.4), dbSNP rs201737510, ClinGen allele CA253049867.